The following is an entry in ClinVar:

ClinVar aggregate classification (germline): Likely pathogenic (1 of 4 stars; one submission).

Submission:

Mayo Clinic Laboratories, Mayo Clinic
Classification: Likely pathogenic. Last evaluated: 2024-03-22. Review status: criteria provided, single submitter. Criteria: ACMG Guidelines, 2015. Collection method: clinical testing. Allele origin: germline. Observed: 1 variant allele.
Comment: PP3, PM1_supporting, PM2_moderate, PM5, PS4_moderate

Literature cited by the submitters: PubMed 35770352.

NM_000132.4(F8):c.5594A>T (p.Asp1865Val)

Gene: F8 (coagulation factor VIII; minus strand). Cytogenetic location: Xq28.
Variant type: single nucleotide variant.
Coding change: c.5594A>T on transcript NM_000132.4 (MANE Select); coding-DNA position 5594, A replaced by T.
Protein change: p.Asp1865Val; replaces aspartic acid 1865 with valine.
Molecular consequence: missense variant.
Genome position (GRCh38, 1-based): chrX:154,904,517, T>A on the plus strand (A>T on the coding strand, the complement: F8 is on the minus strand). VCF-style: chrX-154904517-T-A. GRCh37 (hg19) VCF-style: chrX-154132792-T-A.
Other names: p.Asp1865Val; short protein forms D1865V.
Identifiers: ClinVar variation 3380940 (VCV003380940.1).